The following is an entry in ClinVar:

NM_024721.5(ZFHX4):c.2919G>C (p.Leu973=)

Gene: ZFHX4 (zinc finger homeobox 4; plus strand). Cytogenetic location: 8q21.13.
Variant type: single nucleotide variant.
Coding change: c.2919G>C on transcript NM_024721.5 (MANE Select); coding-DNA position 2919, G replaced by C.
Protein change: p.Leu973=; no amino-acid change (leucine 973 retained).
Molecular consequence: synonymous variant.
Genome position (GRCh38, 1-based): chr8:76,707,874, G>C. VCF-style: chr8-76707874-G-C. GRCh37 (hg19) VCF-style: chr8-77620109-G-C.
Other names: c.2841G>C, p.Leu947= (NM_001410934.1).
Identifiers: ClinVar variation 2658660 (VCV002658660.24), dbSNP rs371959933, ClinGen allele CA4787092.
Genomic context (GRCh38, chr8:76,707,874, plus strand): 5'-GCTCAAAGCCAACTTCCAGCTACACTGCAAGACTGATAAACATATGCAGAAATATCAACT[G>C]GTGGCTCACATTAAAGAAGGGGGCAAAAGCAATGAGTGGAGGTTGAAGTGTATTGCCATT-3'
Protein context (NP_078997.4, residues 963-983): KTDKHMQKYQ[Leu973=]VAHIKEGGKS

ClinVar aggregate classification (germline): Likely benign (1 of 4 stars; one submission).

Allele frequency attached by ClinVar (database versions not stated): ESP Exome Variant Server 0.00008; TOPMed 0.00017; ExAC 0.00021; gnomAD 0.00021.

Submission:

CeGaT Center for Human Genetics Tuebingen
Classification: Likely benign. Last evaluated: 2023-07-01. Review status: criteria provided, single submitter. Criteria: CeGaT Center For Human Genetics Tuebingen Variant Classification Criteria Version 2. Collection method: clinical testing. Allele origin: germline. Affected: yes. Observed: 1 variant allele.
Comment: ZFHX4: BP4